The following is an entry in ClinVar:

ClinVar aggregate classification (germline): Benign (1 of 4 stars; one submission).

Allele frequency attached by ClinVar (database versions not stated): 1000 Genomes Project 30x 0.00016; 1000 Genomes Project 0.00020; gnomAD 0.00036; TOPMed 0.00050.
gnomAD v4.1: 55 of 152,296 alleles (0.036%); highest among the groups gnomAD compares: Admixed American, 0.15%; 1 homozygote.

Submission:

CeGaT Center for Human Genetics Tuebingen
Classification: Benign. Last evaluated: 2022-05-01. Review status: criteria provided, single submitter. Criteria: CeGaT Center For Human Genetics Tuebingen Variant Classification Criteria Version 2. Collection method: clinical testing. Allele origin: germline. Affected: yes. Observed: 1 variant allele.
Comment: CACNA1H: BS1, BS2

NM_021098.3(CACNA1H):c.3363+201C>T

Gene: CACNA1H (calcium voltage-gated channel subunit alpha1 H; plus strand). Cytogenetic location: 16p13.3.
Variant type: single nucleotide variant.
Coding change: c.3363+201C>T on transcript NM_021098.3 (MANE Select); 201 bases into the intron after coding-DNA position 3363, C replaced by T.
Molecular consequence: intron variant.
Genome position (GRCh38, 1-based): chr16:1,208,422, C>T. VCF-style: chr16-1208422-C-T. GRCh37 (hg19) VCF-style: chr16-1258422-C-T.
Other names: c.3363+201C>T (NM_001005407.2).
Identifiers: ClinVar variation 2645879 (VCV002645879.24), dbSNP rs568605786, ClinGen allele CA276662281.